The following is an entry in ClinVar:

ClinVar aggregate classification (germline): Likely benign (1 of 4 stars; one submission).

Allele frequency attached by ClinVar (database versions not stated): gnomAD exomes 0.00005; ExAC 0.00010.
gnomAD v4.1: 66 of 1,597,046 alleles (0.0041%); highest among the groups gnomAD compares: South Asian, 0.058%; no homozygotes.

Submission:

CeGaT Center for Human Genetics Tuebingen
Classification: Likely benign. Last evaluated: 2022-11-01. Review status: criteria provided, single submitter. Criteria: CeGaT Center For Human Genetics Tuebingen Variant Classification Criteria Version 2. Collection method: clinical testing. Allele origin: germline. Affected: yes. Observed: 1 variant allele.
Comment: UBE2O: BP4, BP7

NM_022066.4(UBE2O):c.477C>T (p.Thr159=)

Gene: UBE2O (ubiquitin conjugating enzyme E2 O; minus strand). Cytogenetic location: 17q25.1.
Variant type: single nucleotide variant.
Coding change: c.477C>T on transcript NM_022066.4 (MANE Select); coding-DNA position 477, C replaced by T.
Protein change: p.Thr159=; no amino-acid change (threonine 159 retained).
Molecular consequence: synonymous variant.
Genome position (GRCh38, 1-based): chr17:76,405,513, G>A on the plus strand (C>T on the coding strand, the complement: UBE2O is on the minus strand). VCF-style: chr17-76405513-G-A. GRCh37 (hg19) VCF-style: chr17-74401595-G-A.
Identifiers: ClinVar variation 2648315 (VCV002648315.24), dbSNP rs749483780, ClinGen allele CA8786344.
Genomic context (GRCh38, chr17:76,405,513, plus strand): 5'-CTCAAGTCCCTAAGGTGGCTGCCCCCAGGCCCGGGGCTGGGGTGGGGACGCAGGACTCAC[G>A]GTGGATCGCATGTGCCGGACCACATCTCGGGGCACCACAGAACGGTCCTCTAGTTTCAGC-3'
Protein context (NP_071349.3, residues 149-169): PRDVVRHMRS[Thr159=]DSQCGTVIDV